The following is an entry in ClinVar:

ClinVar aggregate classification (germline): Uncertain significance (1 of 4 stars; one submission).

Conditions:
Hereditary cancer-predisposing syndrome. Also called: Neoplastic Syndromes, Hereditary; Tumor predisposition; Hereditary neoplastic syndrome; Hereditary Cancer Syndrome. Identifiers: Orphanet 140162, MedGen C0027672, MeSH D009386, MONDO:0015356.

Submission:

Ambry Genetics
Classification: Uncertain significance for Hereditary cancer-predisposing syndrome. Last evaluated: 2026-07-06. Review status: criteria provided, single submitter. Criteria: Ambry Variant Classification Scheme 2023. Collection method: clinical testing. Allele origin: germline.
Comment: The p.S592I variant (also known as c.1775G>T), located in coding exon 14 of the BAP1 gene, results from a G to T substitution at nucleotide position 1775. The serine at codon 592 is replaced by isoleucine, an amino acid with dissimilar properties. This amino acid position is conserved. In addition, this alteration is predicted to be tolerated by in silico analysis. Based on the available evidence, the clinical significance of this variant remains unclear.

NM_004656.4(BAP1):c.1775G>T (p.Ser592Ile)

Gene: BAP1 (BRCA1 associated deubiquitinase 1; minus strand). Cytogenetic location: 3p21.1.
Variant type: single nucleotide variant.
Coding change: c.1775G>T on transcript NM_004656.4 (MANE Select); coding-DNA position 1775, G replaced by T.
Protein change: p.Ser592Ile; replaces serine 592 with isoleucine.
Molecular consequence: missense variant.
Genome position (GRCh38, 1-based): chr3:52,403,253, C>A on the plus strand (G>T on the coding strand, the complement: BAP1 is on the minus strand). VCF-style: chr3-52403253-C-A. GRCh37 (hg19) VCF-style: chr3-52437269-C-A.
Other names: c.1721G>T, p.Ser574Ile (NM_001410772.1); short protein forms S574I, S592I.
Identifiers: ClinVar variation 5032719 (VCV005032719.1).